The following is an entry in ClinVar:

NM_015915.5(ATL1):c.61T>C (p.Trp21Arg)

Gene: ATL1 (atlastin GTPase 1; plus strand). Cytogenetic location: 14q22.1.
Variant type: single nucleotide variant.
Coding change: c.61T>C on transcript NM_015915.5 (MANE Select); coding-DNA position 61, T replaced by C.
Protein change: p.Trp21Arg; replaces tryptophan 21 with arginine.
Molecular consequence: missense variant.
Genome position (GRCh38, 1-based): chr14:50,587,857, T>C. VCF-style: chr14-50587857-T-C. GRCh37 (hg19) VCF-style: chr14-51054575-T-C.
Other names: c.61T>C, p.Trp21Arg (NM_001127713.1, NM_181598.4); short protein forms W21R.
Identifiers: ClinVar variation 941896 (VCV000941896.9), dbSNP rs1566722905, ClinGen allele CA389665192.
Genomic context (GRCh38, chr14:50,587,857, plus strand): 5'-GATTAGCTGAACCAGTCACTGCTCTGTTCAACAGGTGGATTTTCGGAAAAGACATATGAA[T>C]GGAGCTCAGAAGAGGAGGAGCCAGTGAAAAAGGCAGGACCAGTCCAAGTCCTCATTGTCA-3'
Protein context (NP_056999.2, residues 11-31): WGGFSEKTYE[Trp21Arg]SSEEEEPVKK

ClinVar aggregate classification (germline): Uncertain significance (1 of 4 stars; one submission).

Conditions:
Hereditary spastic paraplegia 3A (SPG3A). Also called: SPASTIC PARAPLEGIA 3, AUTOSOMAL DOMINANT; FAMILIAL SPASTIC PARAPLEGIA, AUTOSOMAL DOMINANT, 1; SPG3; STRUMPELL DISEASE; Spastic Paraplegia 3A; Spastic paraplegia 3A, autosomal dominant. Identifiers: Orphanet 100984, MedGen C2931355, MONDO:0008437, OMIM 182600.

Submission:

Labcorp Genetics (formerly Invitae), Labcorp
Classification: Uncertain significance for Hereditary spastic paraplegia 3A. Last evaluated: 2019-06-17. Review status: criteria provided, single submitter. Criteria: Invitae Variant Classification Sherloc (09022015). Collection method: clinical testing. Allele origin: germline.
Comment: Algorithms developed to predict the effect of missense changes on protein structure and function are either unavailable or do not agree on the potential impact of this missense change (SIFT: "Tolerated"; PolyPhen-2: "Probably Damaging"; Align-GVGD: "Class C0"). In summary, the available evidence is currently insufficient to determine the role of this variant in disease. Therefore, it has been classified as a Variant of Uncertain Significance. This variant has not been reported in the literature in individuals with ATL1-related conditions. This variant is not present in population databases (ExAC no frequency). This sequence change replaces tryptophan with arginine at codon 21 of the ATL1 protein (p.Trp21Arg). The tryptophan residue is highly conserved and there is a moderate physicochemical difference between tryptophan and arginine.